The following is an entry in ClinVar:

ClinVar aggregate classification (germline): Uncertain significance (1 of 4 stars; one submission).

Conditions:
Acromesomelic dysplasia 1, Maroteaux type (AMD1). Also called: ST. HELENA DYSPLASIA; ACROMESOMELIC DYSPLASIA 1. Identifiers: Orphanet 40, MedGen C1864356, MONDO:0011275, OMIM 602875.
Tall stature-scoliosis-macrodactyly of the great toes syndrome. Also called: Epiphyseal chondrodysplasia, miura type. Identifiers: Orphanet 329191, MedGen C4014690, MONDO:0014401, OMIM 615923.

Submission:

Labcorp Genetics (formerly Invitae), Labcorp
Classification: Uncertain significance for Tall stature-scoliosis-macrodactyly of the great toes syndrome; Acromesomelic dysplasia 1, Maroteaux type. Last evaluated: 2022-04-19. Review status: criteria provided, single submitter. Criteria: Invitae Variant Classification Sherloc (09022015). Collection method: clinical testing. Allele origin: germline.
Comment: This variant is not present in population databases (gnomAD no frequency). This sequence change falls in intron 19 of the NPR2 gene. It does not directly change the encoded amino acid sequence of the NPR2 protein. In summary, the available evidence is currently insufficient to determine the role of this variant in disease. Therefore, it has been classified as a Variant of Uncertain Significance. Algorithms developed to predict the effect of sequence changes on RNA splicing suggest that this variant may create or strengthen a splice site. This variant has not been reported in the literature in individuals affected with NPR2-related conditions.

NM_003995.4(NPR2):c.2888-18A>G

Genes: NPR2 (natriuretic peptide receptor 2; plus strand), SPAG8 (sperm associated antigen 8; minus strand). Cytogenetic location: 9p13.3.
Variant type: single nucleotide variant.
Coding change: c.2888-18A>G on transcript NM_003995.4 (MANE Select); 18 bases into the intron before coding-DNA position 2888, A replaced by G.
Molecular consequence: intron variant.
Genome position (GRCh38, 1-based): chr9:35,808,737, A>G. VCF-style: chr9-35808737-A-G. GRCh37 (hg19) VCF-style: chr9-35808734-A-G.
Other names: c.2897-18A>G (NM_001378923.1); c.1201-431T>C (NM_001366760.2); c.1373-431T>C (NM_172312.2).
Identifiers: ClinVar variation 2196177 (VCV002196177.4), dbSNP rs2491077179, ClinGen allele CA2580080459.